The following is an entry in ClinVar:

ClinVar aggregate classification (germline): Likely benign (1 of 4 stars; one submission).

gnomAD v4.1: 5,217 of 1,412,204 alleles (0.37%); highest among the groups gnomAD compares: Non-Finnish European, 0.44%; 15 homozygotes.

Submissions (4):

CeGaT Center for Human Genetics Tuebingen
Classification: Likely benign. Last evaluated: 2026-05-01. Review status: criteria provided, single submitter. Criteria: CeGaT Center For Human Genetics Tuebingen Variant Classification Criteria Version 2. Collection method: clinical testing. Allele origin: germline. Affected: yes. Observed: 8 variant alleles.
Comment: SACS: PP3, BS2

Dr. Peter K. Rogan Lab, Western University
No classification provided (evidence only). Condition: Acute myeloid leukemia. Review status: no classification provided. Collection method: in vitro. Allele origin: not applicable. Functional consequence: retained intron. Not counted in ClinVar's aggregate classification.

Dr. Peter K. Rogan Lab, Western University
No classification provided (evidence only). Condition: Thymoma. Review status: no classification provided. Collection method: in vitro. Allele origin: not applicable. Functional consequence: retained intron. Not counted in ClinVar's aggregate classification.

Dr. Peter K. Rogan Lab, Western University
No classification provided (evidence only). Condition: Ovarian serous cystadenocarcinoma. Review status: no classification provided. Collection method: in vitro. Allele origin: not applicable. Functional consequence: retained intron. Not counted in ClinVar's aggregate classification.

NM_014363.6(SACS):c.259+28A>G

Gene: SACS (sacsin molecular chaperone; minus strand). Cytogenetic location: 13q12.12.
Variant type: single nucleotide variant.
Coding change: c.259+28A>G on transcript NM_014363.6 (MANE Select); 28 bases into the intron after coding-DNA position 259, A replaced by G.
Molecular consequence: intron variant.
Genome position (GRCh38, 1-based): chr13:23,371,050, T>C on the plus strand (A>G on the coding strand, the complement: SACS is on the minus strand). VCF-style: chr13-23371050-T-C. GRCh37 (hg19) VCF-style: chr13-23945189-T-C.
Other names: NC_000013.10:g.23945189T>C; c.-182-2563A>G (NM_001278055.2).
Identifiers: ClinVar variation 3388012 (VCV003388012.15).